The following is an entry in ClinVar:

ClinVar aggregate classification (germline): Uncertain significance. Review status: criteria provided, multiple submitters, no conflicts (2 of 4 stars). 2 submissions from 2 submitters: Uncertain significance (2). Last evaluated 2025-12-23.

Conditions:
Cardiovascular phenotype. Identifiers: MedGen CN230736.
Long QT syndrome (LQTS). Identifiers: MedGen C0023976, MeSH D008133, MONDO:0002442. Disease mechanism: loss of function. Inheritance: Various modes of inheritance.

Allele frequency attached by ClinVar (database versions not stated): TOPMed below 0.00001; gnomAD 0.00001.

Submissions (2):

Labcorp Genetics (formerly Invitae), Labcorp
Classification: Uncertain significance for Long QT syndrome. Last evaluated: 2025-12-23. Review status: criteria provided, single submitter. Criteria: Invitae Variant Classification Sherloc (09022015). Collection method: clinical testing. Allele origin: germline.
Comment: This sequence change replaces methionine, which is neutral and non-polar, with arginine, which is basic and polar, at codon 1994 of the ANK2 protein (p.Met1994Arg). This variant is not present in population databases (gnomAD no frequency). This variant has not been reported in the literature in individuals affected with ANK2-related conditions. ClinVar contains an entry for this variant (Variation ID: 1383765). An algorithm developed to predict the effect of missense changes on protein structure and function (PolyPhen-2) suggests that this variant is likely to be disruptive. In summary, the available evidence is currently insufficient to determine the role of this variant in disease. Therefore, it has been classified as a Variant of Uncertain Significance.

Ambry Genetics
Classification: Uncertain significance for Cardiovascular phenotype. Last evaluated: 2025-11-16. Review status: criteria provided, single submitter. Criteria: Ambry Variant Classification Scheme 2023. Collection method: clinical testing. Allele origin: germline.
Comment: The p.M1994R variant (also known as c.5981T>G), located in coding exon 38 of the ANK2 gene, results from a T to G substitution at nucleotide position 5981. The methionine at codon 1994 is replaced by arginine, an amino acid with similar properties. This amino acid position is conserved. In addition, this alteration is predicted to be deleterious by in silico analysis. Based on the available evidence, the clinical significance of this variant remains unclear.

NM_001148.6(ANK2):c.5981T>G (p.Met1994Arg)

Genes: ANK2 (ankyrin 2; plus strand), LOC126807136 (MED14-independent group 3 enhancer GRCh37_chr4:114274931-114276130; plus strand). Cytogenetic location: 4q26.
Variant type: single nucleotide variant.
Coding change: c.5981T>G on transcript NM_001148.6 (MANE Select); coding-DNA position 5981, T replaced by G.
Protein change: p.Met1994Arg; replaces methionine 1994 with arginine.
Molecular consequence: missense variant. On other transcripts: intron variant (68).
Genome position (GRCh38, 1-based): chr4:113,354,599, T>G. VCF-style: chr4-113354599-T-G. GRCh37 (hg19) VCF-style: chr4-114275755-T-G.
Other names: c.5981T>G (NM_001148.4); c.5747T>G, p.Met1916Arg (NM_001386142.1); c.2381T>G, p.Met794Arg (NM_001386166.1); c.6122T>G, p.Met2041Arg (NM_001386174.1); c.6098T>G, p.Met2033Arg (NM_001386175.1); c.4411+4350T>G (NM_001386186.2, NM_001386148.2); c.4213+4350T>G (NM_001354269.3); c.4291+4350T>G (NM_001386187.2); and 36 more; short protein forms M2033R, M794R, M1994R, M1916R, M2041R.
Identifiers: ClinVar variation 1383765 (VCV001383765.9), dbSNP rs1217769701, ClinGen allele CA357921976.